The following is an entry in ClinVar:

ClinVar aggregate classification (germline): Benign/Likely benign. Review status: criteria provided, multiple submitters, no conflicts (2 of 4 stars). 4 submissions from 4 submitters: Benign (1); Likely benign (3). Last evaluated 2025-11-05.

Conditions:
Hereditary nonpolyposis colorectal neoplasms. Identifiers: MedGen C0009405, MeSH D003123.
Hereditary cancer-predisposing syndrome. Also called: Hereditary Cancer Syndrome; Neoplastic Syndromes, Hereditary; Tumor predisposition; Hereditary neoplastic syndrome. Identifiers: Orphanet 140162, MedGen C0027672, MeSH D009386, MONDO:0015356.
Lynch syndrome 5 (LYNCH5). Also called: Colorectal cancer, hereditary nonpolyposis, type 5; Hereditary non-polyposis colorectal cancer, type 5. Identifiers: Orphanet 144, MedGen C1833477, MONDO:0013710, OMIM 614350. Disease mechanism: loss of function.

Submissions (4):

Labcorp Genetics (formerly Invitae), Labcorp
Classification: Likely benign for Hereditary nonpolyposis colorectal neoplasms. Last evaluated: 2025-11-05. Review status: criteria provided, single submitter. Criteria: Invitae Variant Classification Sherloc (09022015). Collection method: clinical testing. Allele origin: germline.

Ambry Genetics
Classification: Likely benign for Hereditary cancer-predisposing syndrome. Last evaluated: 2025-05-23. Review status: criteria provided, single submitter. Criteria: Ambry Variant Classification Scheme 2023. Collection method: clinical testing. Allele origin: germline.

Myriad Genetics, Inc.
Classification: Benign for Lynch syndrome 5. Last evaluated: 2024-12-23. Review status: criteria provided, single submitter. Criteria: Myriad Autosomal Dominant, Autosomal Recessive and X-Linked Classification Criteria (2023). Collection method: clinical testing. Allele origin: unknown.
Comment: This variant is considered benign. This variant is a silent/synonymous amino acid change and it is not expected to impact splicing.

GeneDx
Classification: Likely benign. Last evaluated: 2018-01-16. Review status: criteria provided, single submitter. Criteria: GeneDx Variant Classification (06012015). Collection method: clinical testing. Allele origin: germline. Affected: yes.
Comment: This variant is considered likely benign or benign based on one or more of the following criteria: it is a conservative change, it occurs at a poorly conserved position in the protein, it is predicted to be benign by multiple in silico algorithms, and/or has population frequency not consistent with disease.

NM_000179.3(MSH6):c.1089T>C (p.Thr363=)

Gene: MSH6 (mutS homolog 6; plus strand). Cytogenetic location: 2p16.3.
Variant type: single nucleotide variant.
Coding change: c.1089T>C on transcript NM_000179.3 (MANE Select); coding-DNA position 1089, T replaced by C.
Protein change: p.Thr363=; no amino-acid change (threonine 363 retained).
Molecular consequence: synonymous variant.
Genome position (GRCh38, 1-based): chr2:47,799,072, T>C. VCF-style: chr2-47799072-T-C. GRCh37 (hg19) VCF-style: chr2-48026211-T-C.
Other names: c.699T>C, p.Thr233= (NM_001281492.2); c.183T>C, p.Thr61= (NM_001281493.2, NM_001281494.2).
Identifiers: ClinVar variation 514910 (VCV000514910.4), dbSNP rs1553412484, ClinGen allele CA426120947.